The following is an entry in ClinVar:

NM_138420.4(AHNAK2):c.4485G>T (p.Met1495Ile)

Gene: AHNAK2 (AHNAK nucleoprotein 2; minus strand). Cytogenetic location: 14q32.33.
Variant type: single nucleotide variant.
Coding change: c.4485G>T on transcript NM_138420.4 (MANE Select); coding-DNA position 4485, G replaced by T.
Protein change: p.Met1495Ile; replaces methionine 1495 with isoleucine.
Molecular consequence: missense variant.
Genome position (GRCh38, 1-based): chr14:104,950,966, C>A on the plus strand (G>T on the coding strand, the complement: AHNAK2 is on the minus strand). VCF-style: chr14-104950966-C-A. GRCh37 (hg19) VCF-style: chr14-105417303-C-A.
Other names: c.4185G>T, p.Met1395Ile (NM_001350929.2); short protein forms M1395I, M1495I.
Identifiers: ClinVar variation 2644830 (VCV002644830.24), dbSNP rs144807734, ClinGen allele CA7382439.
Genomic context (GRCh38, chr14:104,950,966, plus strand): 5'-TGAGGCCTCGATGGACTTGCCTGGGGCAGACACCCCGAACGACGGCATCTTGAACTTGGG[C>A]ATTTTGAACTTGCTGTCTTTGGTAGTCAAGTCCTTGTCGGCCAGGGACATGTCCTCCTCC-3'
Protein context (NP_612429.2, residues 1485-1505): DLTTKDSKFK[Met1495Ile]PKFKMPSFGV

ClinVar aggregate classification (germline): Likely benign (1 of 4 stars; one submission).

Allele frequency attached by ClinVar (database versions not stated): ExAC 0.00154; ESP Exome Variant Server 0.00242; gnomAD 0.00378; 1000 Genomes Project 30x 0.00468; 1000 Genomes Project 0.00519.

Submission:

CeGaT Center for Human Genetics Tuebingen
Classification: Likely benign. Last evaluated: 2023-04-01. Review status: criteria provided, single submitter. Criteria: CeGaT Center For Human Genetics Tuebingen Variant Classification Criteria Version 2. Collection method: clinical testing. Allele origin: germline. Affected: yes. Observed: 1 variant allele.
Comment: AHNAK2: BP4, BS2